The following is an entry in ClinVar:

ClinVar aggregate classification (germline): Uncertain significance (1 of 4 stars; one submission).

Conditions:
Cataract 23 (CTRCT23). Also called: Cataract 23, multiple types; CATARACT 23, LAMELLAR. Identifiers: Orphanet 91492, MedGen C3808012, MONDO:0012489, OMIM 610425.

Allele frequency attached by ClinVar (database versions not stated): gnomAD 0.00003 and 0.00005; TOPMed 0.00005; ExAC 0.00009; 1000 Genomes Project 30x 0.00031; 1000 Genomes Project 0.00040.
gnomAD v4.1: 38 of 1,453,444 alleles (0.0026%); highest among the groups gnomAD compares: East Asian, 0.069%; no homozygotes.

Submission:

Labcorp Genetics (formerly Invitae), Labcorp
Classification: Uncertain significance for Cataract 23. Last evaluated: 2024-04-29. Review status: criteria provided, single submitter. Criteria: Invitae Variant Classification Sherloc (09022015). Collection method: clinical testing. Allele origin: germline.
Comment: This sequence change replaces alanine, which is neutral and non-polar, with valine, which is neutral and non-polar, at codon 9 of the CRYBA4 protein (p.Ala9Val). This variant is present in population databases (rs530186829, gnomAD 0.1%), and has an allele count higher than expected for a pathogenic variant. This missense change has been observed in individual(s) with cataracts (PMID: 24968223, 28450710, 31555371). It has also been observed to segregate with disease in related individuals. ClinVar contains an entry for this variant (Variation ID: 1027167). An algorithm developed to predict the effect of missense changes on protein structure and function (PolyPhen-2) suggests that this variant is likely to be tolerated. In summary, the available evidence is currently insufficient to determine the role of this variant in disease. Therefore, it has been classified as a Variant of Uncertain Significance.

Literature cited by the submitters: PubMed 24968223; PubMed 28450710; PubMed 31555371.

NM_001886.3(CRYBA4):c.26C>T (p.Ala9Val)

Gene: CRYBA4 (crystallin beta A4; plus strand). Cytogenetic location: 22q12.1.
Variant type: single nucleotide variant.
Coding change: c.26C>T on transcript NM_001886.3 (MANE Select); coding-DNA position 26, C replaced by T.
Protein change: p.Ala9Val; replaces alanine 9 with valine.
Molecular consequence: missense variant.
Genome position (GRCh38, 1-based): chr22:26,622,622, C>T. VCF-style: chr22-26622622-C-T. GRCh37 (hg19) VCF-style: chr22-27018586-C-T.
Other names: short protein forms A9V.
Identifiers: ClinVar variation 1027167 (VCV001027167.9), dbSNP rs530186829, ClinGen allele CA10165632.